The following is an entry in ClinVar:

ClinVar aggregate classification (germline): Uncertain significance (1 of 4 stars; one submission).

Submission:

Labcorp Genetics (formerly Invitae), Labcorp
Classification: Uncertain significance. Last evaluated: 2022-11-20. Review status: criteria provided, single submitter. Criteria: Invitae Variant Classification Sherloc (09022015). Collection method: clinical testing. Allele origin: germline.
Comment: In summary, the available evidence is currently insufficient to determine the role of this variant in disease. Therefore, it has been classified as a Variant of Uncertain Significance. Advanced modeling of protein sequence and biophysical properties (such as structural, functional, and spatial information, amino acid conservation, physicochemical variation, residue mobility, and thermodynamic stability) performed at Invitae indicates that this missense variant is expected to disrupt CLUAP1 protein function. ClinVar contains an entry for this variant (Variation ID: 1014303). This variant has not been reported in the literature in individuals affected with CLUAP1-related conditions. This variant is not present in population databases (gnomAD no frequency). This sequence change replaces glutamic acid, which is acidic and polar, with lysine, which is basic and polar, at codon 11 of the CLUAP1 protein (p.Glu11Lys).

NM_015041.3(CLUAP1):c.31G>A (p.Glu11Lys)

Gene: CLUAP1 (clusterin associated protein 1; plus strand). Cytogenetic location: 16p13.3.
Variant type: single nucleotide variant.
Coding change: c.31G>A on transcript NM_015041.3 (MANE Select); coding-DNA position 31, G replaced by A.
Protein change: p.Glu11Lys; replaces glutamic acid 11 with lysine.
Molecular consequence: missense variant.
Genome position (GRCh38, 1-based): chr16:3,504,728, G>A. VCF-style: chr16-3504728-G-A. GRCh37 (hg19) VCF-style: chr16-3554728-G-A.
Other names: c.31G>A, p.Glu11Lys (NM_001330454.2); short protein forms E11K.
Identifiers: ClinVar variation 1014303 (VCV001014303.8), dbSNP rs2037469533, ClinGen allele CA394510635.
Genomic context (GRCh38, chr16:3,504,728, plus strand): 5'-AGTAGTTGCTGTGTGATGGGGAACTGAATGAATTGTATTTTTCCTTGGACAGATTTCACA[G>A]AGATGATGAGAGCCCTGGGATACCCTCGACATATTTCTATGGAAAATTTCCGTACACCCA-3'
Protein context (NP_055856.1, residues 1-21): MSFRDLRNFT[Glu11Lys]MMRALGYPRH